The following is an entry in ClinVar:

ClinVar aggregate classification (germline): Uncertain significance (1 of 4 stars; one submission).

Submission:

GeneDx
Classification: Uncertain significance. Last evaluated: 2022-07-20. Review status: criteria provided, single submitter. Criteria: GeneDx Variant Classification Process June 2021. Collection method: clinical testing. Allele origin: germline. Affected: yes.
Comment: Not observed at significant frequency in large population cohorts (gnomAD); In silico analysis supports that this missense variant has a deleterious effect on protein structure/function; Has not been previously published as pathogenic or benign to our knowledge

NM_001846.4(COL4A2):c.4051G>A (p.Glu1351Lys)

Genes: COL4A2 (collagen type IV alpha 2 chain; plus strand), COL4A2-AS1 (COL4A2 antisense RNA 1; minus strand). Cytogenetic location: 13q34.
Variant type: single nucleotide variant.
Coding change: c.4051G>A on transcript NM_001846.4 (MANE Select); coding-DNA position 4051, G replaced by A.
Protein change: p.Glu1351Lys; replaces glutamic acid 1351 with lysine.
Molecular consequence: missense variant.
Genome position (GRCh38, 1-based): chr13:110,503,394, G>A. VCF-style: chr13-110503394-G-A. GRCh37 (hg19) VCF-style: chr13-111155741-G-A.
Other names: short protein forms E1351K.
Identifiers: ClinVar variation 2136177 (VCV002136177.1), dbSNP rs2502204962, ClinGen allele CA388736560.